The following is an entry in ClinVar:

ClinVar aggregate classification (germline): Uncertain significance (1 of 4 stars; one submission).

Submission:

Dasa
Classification: Uncertain significance. Last evaluated: 2025-09-18. Review status: criteria provided, single submitter. Criteria: DASA Assertion Criteria. Collection method: clinical testing. Allele origin: germline.
Comment: NM_018486.3(HDAC8):c.306C>G (p.Cys102Trp) is a missense variant that results in the substitution of cysteine with tryptophan. This variant is absent from population databases. The currently available literature and clinical evidence are not sufficient to establish a definitive association between this variant and the reported condition. Therefore, this variant is classified as a variant of uncertain significance.

NM_018486.3(HDAC8):c.306C>G (p.Cys102Trp)

Gene: HDAC8 (histone deacetylase 8; minus strand). Cytogenetic location: Xq13.1.
Variant type: single nucleotide variant.
Coding change: c.306C>G on transcript NM_018486.3 (MANE Select); coding-DNA position 306, C replaced by G.
Protein change: p.Cys102Trp; replaces cysteine 102 with tryptophan.
Molecular consequence: missense variant. On other transcripts: non-coding transcript variant (4), intron variant (3).
Genome position (GRCh38, 1-based): chrX:72,568,020, G>C on the plus strand (C>G on the coding strand, the complement: HDAC8 is on the minus strand). VCF-style: chrX-72568020-G-C. GRCh37 (hg19) VCF-style: chrX-71787870-G-C.
Other names: c.306C>G, p.Cys102Trp (NM_001166422.2, NM_001410725.1, NM_001410727.1 and 5 more transcripts); c.164+4037C>G (NM_001166418.2, NM_001410728.1, NM_001166448.2); short protein forms C102W.
Identifiers: ClinVar variation 4882387 (VCV004882387.2).
Genomic context (GRCh38, chrX:72,568,020, plus strand): 5'-AGCTGTGATCGTAGCCCCTCCTATAGCTGCTGCATAGTCAAATATCCCTTCAGTGGCTGG[G>C]CAGTCATAACCTTAGGGCAAAAATCAGAAGAGCTGGTTAAAAGGTGAACTGGAAAAAGAG-3'
Protein context (NP_060956.1, residues 92-112): DSIEYGLGYD[Cys102Trp]PATEGIFDYA